The following is an entry in ClinVar:

NM_025243.4(SLC19A3):c.242C>T (p.Pro81Leu)

Gene: SLC19A3 (solute carrier family 19 member 3; minus strand). Cytogenetic location: 2q36.3.
Variant type: single nucleotide variant.
Coding change: c.242C>T on transcript NM_025243.4 (MANE Select); coding-DNA position 242, C replaced by T.
Protein change: p.Pro81Leu; replaces proline 81 with leucine.
Molecular consequence: missense variant.
Genome position (GRCh38, 1-based): chr2:227,699,473, G>A on the plus strand (C>T on the coding strand, the complement: SLC19A3 is on the minus strand). VCF-style: chr2-227699473-G-A. GRCh37 (hg19) VCF-style: chr2-228564189-G-A.
Other names: short protein forms P81L.
Identifiers: ClinVar variation 660861 (VCV000660861.9), dbSNP rs752029795, ClinGen allele CA2149346.

ClinVar aggregate classification (germline): Uncertain significance. Review status: criteria provided, multiple submitters, no conflicts (2 of 4 stars). 3 submissions from 3 submitters: Uncertain significance (3). Last evaluated 2025-01-06.

Conditions:
Inborn genetic diseases. Identifiers: MedGen C0950123, MeSH D030342.
Biotin-responsive basal ganglia disease (BTBGD). Also called: Thiamine metabolism dysfunction syndrome 2 (biotin- or thiamine-responsive encephalopathy type 2); thiamine-responsive encephalopathy; THIAMINE METABOLISM DYSFUNCTION SYNDROME 2 (BIOTIN- AND THIAMINE-RESPONSIVE TYPE); Thiamine metabolism dysfunction syndrome type 2; Thiamine Transporter-2 Deficiency. Identifiers: Orphanet 199348, Orphanet 65284, MedGen C1843807, MONDO:0011841, OMIM 607483.

Allele frequency attached by ClinVar (database versions not stated): gnomAD exomes 0.00002 and 0.00001; gnomAD 0.00001; TOPMed 0.00001; ExAC 0.00002.
gnomAD v4.1: 8 of 1,614,054 alleles (0.0005%); highest among the groups gnomAD compares: Admixed American, 0.01%; no homozygotes.

Submissions (3):

Labcorp Genetics (formerly Invitae), Labcorp
Classification: Uncertain significance for Biotin-responsive basal ganglia disease. Last evaluated: 2025-01-06. Review status: criteria provided, single submitter. Criteria: Invitae Variant Classification Sherloc (09022015). Collection method: clinical testing. Allele origin: germline.
Comment: This sequence change replaces proline, which is neutral and non-polar, with leucine, which is neutral and non-polar, at codon 81 of the SLC19A3 protein (p.Pro81Leu). This variant is present in population databases (rs752029795, gnomAD 0.01%). This variant has not been reported in the literature in individuals affected with SLC19A3-related conditions. ClinVar contains an entry for this variant (Variation ID: 660861). Invitae Evidence Modeling of protein sequence and biophysical properties (such as structural, functional, and spatial information, amino acid conservation, physicochemical variation, residue mobility, and thermodynamic stability) indicates that this missense variant is expected to disrupt SLC19A3 protein function with a positive predictive value of 95%. In summary, the available evidence is currently insufficient to determine the role of this variant in disease. Therefore, it has been classified as a Variant of Uncertain Significance.

New York Genome Center
Classification: Uncertain significance for Biotin-responsive basal ganglia disease. Last evaluated: 2022-01-07. Review status: criteria provided, single submitter. Criteria: NYGC Assertion Criteria 2020. Collection method: clinical testing. Allele origin: germline. Observed: 1 heterozygote. Study: CSER-NYCKidSeq.

Ambry Genetics
Classification: Uncertain significance for Inborn genetic diseases. Last evaluated: 2021-08-30. Review status: criteria provided, single submitter. Criteria: Ambry Variant Classification Scheme 2023. Collection method: clinical testing. Allele origin: germline.